The following is an entry in ClinVar:

NM_000186.4(CFH):c.2753G>A (p.Gly918Glu)

Gene: CFH (complement factor H; plus strand). Cytogenetic location: 1q31.3.
Variant type: single nucleotide variant.
Coding change: c.2753G>A on transcript NM_000186.4 (MANE Select); coding-DNA position 2753, G replaced by A.
Protein change: p.Gly918Glu; replaces glycine 918 with glutamic acid.
Molecular consequence: missense variant.
Genome position (GRCh38, 1-based): chr1:196,737,631, G>A. VCF-style: chr1-196737631-G-A. GRCh37 (hg19) VCF-style: chr1-196706761-G-A.
Other names: short protein forms G918E.
Identifiers: ClinVar variation 1163680 (VCV001163680.39), dbSNP rs1408179720, ClinGen allele CA343994504.

ClinVar aggregate classification (germline): Uncertain significance. Review status: criteria provided, multiple submitters, no conflicts (2 of 4 stars). 8 submissions from 5 submitters: Uncertain significance (8). Last evaluated 2026-09-17.

Conditions:
Thrombotic microangiopathy. Identifiers: Orphanet 93573, MedGen C2717961, MeSH D057049, MONDO:0019737.
Age related macular degeneration 4. Identifiers: MedGen C1853147, MONDO:0012540, OMIM 610698.
Atypical hemolytic-uremic syndrome. Identifiers: Orphanet 2134, MedGen C2931788, MONDO:0016244.
Factor H deficiency (CFHD). Also called: COMPLEMENT FACTOR H DEFICIENCY; CFH DEFICIENCY. Identifiers: Orphanet 200421, MedGen C0398777, MONDO:0012350, OMIM 609814.
Basal laminar drusen. Also called: DRUSEN OF BRUCH MEMBRANE; DRUSEN, CUTICULAR; DRUSEN, EARLY ADULT-ONSET, GROUPED. Identifiers: Orphanet 75376, MedGen C0730295, MONDO:0007472, OMIM 126700.
Hemolytic uremic syndrome, atypical, susceptibility to, 1. Also called: AHUS, SUSCEPTIBILITY TO, 1. Identifiers: Orphanet 2134, Orphanet 90038, MedGen C2749604, MONDO:0009335, OMIM 235400. Disease mechanism: Other.

Allele frequency attached by ClinVar (database versions not stated): gnomAD exomes below 0.00001 and 0.00001; TOPMed below 0.00001.
gnomAD v4.1: 3 of 1,613,424 alleles (0.00019%); highest among the groups gnomAD compares: Admixed American, 0.0017%; no homozygotes.

Submissions (8):

Genomenon, Inc
Classification: Uncertain significance for Atypical hemolytic-uremic syndrome. Last evaluated: 2026-09-17. Review status: criteria provided, single submitter. Criteria: Genomenon Sequence Variant Interpretation Standards - Updated. Collection method: curation. Allele origin: germline. Affected: yes.
Comment: CFH p.Gly918Glu (c.2753G>A) is a missense variant that changes the amino acid at codon 918 from glycine to glutamic acid. This variant has been observed in at least one proband affected with atypical hemolytic-uremic syndrome (PMID: 34912830). The variant was found to segregate with disease in at least one affected family (PMID: 34912830). Functional studies have been reported (PMID: 34912830). It is absent or not present at a significant frequency in gnomAD. In conclusion, we classify CFH p.Gly918Glu (c.2753G>A) as a variant of uncertain significance.

Mayo Clinic Laboratories, Mayo Clinic
Classification: Uncertain significance. Last evaluated: 2025-05-01. Review status: criteria provided, single submitter. Criteria: ACMG Guidelines, 2015. Collection method: clinical testing. Allele origin: germline. Observed: 2 variant alleles.
Comment: PM2_supporting, PS3_supporting

Labcorp Genetics (formerly Invitae), Labcorp
Classification: Uncertain significance. Last evaluated: 2023-08-24. Review status: criteria provided, single submitter. Criteria: Invitae Variant Classification Sherloc (09022015). Collection method: clinical testing. Allele origin: germline.
Comment: This missense change has been observed in individual(s) with CFH-related conditions (PMID: 26283675, 34912830). ClinVar contains an entry for this variant (Variation ID: 1163680). An algorithm developed to predict the effect of missense changes on protein structure and function (PolyPhen-2) suggests that this variant is likely to be disruptive. Studies have shown that this missense change alters CFH gene expression (PMID: 34912830). In summary, the available evidence is currently insufficient to determine the role of this variant in disease. Therefore, it has been classified as a Variant of Uncertain Significance. This sequence change replaces glycine, which is neutral and non-polar, with glutamic acid, which is acidic and polar, at codon 918 of the CFH protein (p.Gly918Glu). This variant is present in population databases (no rsID available, gnomAD 0.003%).

Genome-Nilou Lab
Classification: Uncertain significance for Hemolytic uremic syndrome, atypical, susceptibility to, 1. Last evaluated: 2023-04-11. Review status: criteria provided, single submitter. Criteria: ACMG Guidelines, 2015. Collection method: clinical testing. Allele origin: germline. Affected: no.

Genome-Nilou Lab
Classification: Uncertain significance for Age related macular degeneration 4. Last evaluated: 2023-04-11. Review status: criteria provided, single submitter. Criteria: ACMG Guidelines, 2015. Collection method: clinical testing. Allele origin: germline. Affected: no.

Genome-Nilou Lab
Classification: Uncertain significance for Basal laminar drusen. Last evaluated: 2023-04-11. Review status: criteria provided, single submitter. Criteria: ACMG Guidelines, 2015. Collection method: clinical testing. Allele origin: germline. Affected: no.

Genome-Nilou Lab
Classification: Uncertain significance for Factor H deficiency. Last evaluated: 2023-04-11. Review status: criteria provided, single submitter. Criteria: ACMG Guidelines, 2015. Collection method: clinical testing. Allele origin: germline. Affected: no.

John Atkinson Laboratory, Washington University School of Medicine in St. Louis
Classification: Uncertain significance for Thrombotic microangiopathy. Last evaluated: 2015-06-20. Review status: criteria provided, single submitter. Criteria: ACMG Guidelines, 2015. Collection method: clinical testing. Allele origin: germline. Affected: yes.

Literature cited by the submitters: PubMed 34912830 (cited by 3 submitters); PubMed 26283675 (cited by Mayo Clinic Laboratories, Mayo Clinic and Labcorp Genetics (formerly Invitae), Labcorp); PubMed 28752844 (cited by Mayo Clinic Laboratories, Mayo Clinic).